The following is an entry in ClinVar:

ClinVar aggregate classification (germline): Uncertain significance. Review status: criteria provided, multiple submitters, no conflicts (2 of 4 stars). 2 submissions from 2 submitters: Uncertain significance (2). Last evaluated 2022-09-07.

Conditions:
Autosomal recessive limb-girdle muscular dystrophy type 2O. Also called: Limb-Girdle Muscular Dystrophy Type 3C; MUSCULAR DYSTROPHY-DYSTROGLYCANOPATHY (LIMB-GIRDLE), TYPE C, 3; MUSCULAR DYSTROPHY-DYSTROGLYCANOPATHY, LIMB-GIRDLE, POMGNT1-RELATED. Identifiers: Orphanet 206564, MedGen C3150417, MONDO:0013161, OMIM 613157.
Muscular dystrophy-dystroglycanopathy (congenital with impaired intellectual development), type B, 3. Also called: MUSCULAR DYSTROPHY, CONGENITAL, POMGNT1-RELATED; Muscular dystrophy-dystroglycanopathy (congenital with intellectual disability), type B3. Identifiers: MedGen C3150412, MONDO:0013155, OMIM 613151.

Allele frequency attached by ClinVar (database versions not stated): TOPMed 0.00002; ExAC 0.00001; gnomAD exomes 0.00002.
gnomAD v4.1: 15 of 1,614,096 alleles (0.00093%); highest among the groups gnomAD compares: East Asian, 0.0045%; no homozygotes.

Submissions (2):

Labcorp Genetics (formerly Invitae), Labcorp
Classification: Uncertain significance for Autosomal recessive limb-girdle muscular dystrophy type 2O; Muscular dystrophy-dystroglycanopathy (congenital with impaired intellectual development), type B, 3. Last evaluated: 2022-09-07. Review status: criteria provided, single submitter. Criteria: Invitae Variant Classification Sherloc (09022015). Collection method: clinical testing. Allele origin: germline.
Comment: This sequence change replaces arginine, which is basic and polar, with histidine, which is basic and polar, at codon 267 of the POMGNT1 protein (p.Arg267His). The frequency data for this variant in the population databases is considered unreliable, as metrics indicate poor data quality at this position in the gnomAD database. This variant has not been reported in the literature in individuals affected with POMGNT1-related conditions. ClinVar contains an entry for this variant (Variation ID: 1414091). Advanced modeling of protein sequence and biophysical properties (such as structural, functional, and spatial information, amino acid conservation, physicochemical variation, residue mobility, and thermodynamic stability) performed at Invitae indicates that this missense variant is not expected to disrupt POMGNT1 protein function. In summary, the available evidence is currently insufficient to determine the role of this variant in disease. Therefore, it has been classified as a Variant of Uncertain Significance.

Revvity Omics, Revvity
Classification: Uncertain significance. Last evaluated: 2020-08-18. Review status: criteria provided, single submitter. Criteria: ACMG Guidelines, 2015. Collection method: clinical testing. Allele origin: germline.

NM_017739.4(POMGNT1):c.800G>A (p.Arg267His)

Genes: POMGNT1 (protein O-linked mannose N-acetylglucosaminyltransferase 1 (beta 1,2-); minus strand), TSPAN1 (tetraspanin 1; plus strand). Cytogenetic location: 1p34.1.
Variant type: single nucleotide variant.
Coding change: c.800G>A on transcript NM_017739.4 (MANE Select); coding-DNA position 800, G replaced by A.
Protein change: p.Arg267His; replaces arginine 267 with histidine.
Molecular consequence: missense variant.
Genome position (GRCh38, 1-based): chr1:46,194,353, C>T on the plus strand (G>A on the coding strand, the complement: POMGNT1 is on the minus strand). VCF-style: chr1-46194353-C-T. GRCh37 (hg19) VCF-style: chr1-46660025-C-T.
Other names: c.800G>A, p.Arg267His (NM_001243766.2, NM_001410783.1); c.734G>A, p.Arg245His (NM_001290129.3); c.371G>A, p.Arg124His (NM_001290130.2); short protein forms R245H, R124H, R267H.
Identifiers: ClinVar variation 1414091 (VCV001414091.5), dbSNP rs756234628, ClinGen allele CA833599.